The following is an entry in ClinVar:

NM_012281.3(KCND2):c.1334T>C (p.Met445Thr)

Gene: KCND2 (potassium voltage-gated channel subfamily D member 2; plus strand). Cytogenetic location: 7q31.31.
Variant type: single nucleotide variant.
Coding change: c.1334T>C on transcript NM_012281.3 (MANE Select); coding-DNA position 1334, T replaced by C.
Protein change: p.Met445Thr; replaces methionine 445 with threonine.
Molecular consequence: missense variant.
Genome position (GRCh38, 1-based): chr7:120,741,589, T>C. VCF-style: chr7-120741589-T-C. GRCh37 (hg19) VCF-style: chr7-120381643-T-C.
Other names: short protein forms M445T.
Identifiers: ClinVar variation 2385885 (VCV002385885.2), dbSNP rs2485207135, ClinGen allele CA369134462.
Genomic context (GRCh38, chr7:120,741,589, plus strand): 5'-TATAGAAAGCTAGACTGGCCAGGATCCGGGCAGCCAAAAGCGGAAGCGCAAATGCTTACA[T>C]GCAGAGCAAACGGAATGGTTTACTCAGTAATCAGCTGCAGGTACAATCAATTACATCTCT-3'
Protein context (NP_036413.1, residues 435-455): AAKSGSANAY[Met445Thr]QSKRNGLLSN

ClinVar aggregate classification (germline): Uncertain significance (1 of 4 stars; one submission).

Conditions:
Inborn genetic diseases. Identifiers: MedGen C0950123, MeSH D030342.

gnomAD v4.1: 1 of 1,613,316 alleles (0.000062%); no homozygotes.

Submission:

Ambry Genetics
Classification: Uncertain significance for Inborn genetic diseases. Last evaluated: 2022-08-11. Review status: criteria provided, single submitter. Criteria: Ambry Variant Classification Scheme 2023. Collection method: clinical testing. Allele origin: germline.
Comment: The c.1334T>C (p.M445T) alteration is located in exon 3 (coding exon 3) of the KCND2 gene. This alteration results from a T to C substitution at nucleotide position 1334, causing the methionine (M) at amino acid position 445 to be replaced by a threonine (T). This variant was not reported in population-based cohorts in the Genome Aggregation Database (gnomAD). This amino acid position is not well conserved in available vertebrate species. This alteration is predicted to be tolerated by in silico analysis. Based on insufficient or conflicting evidence, the clinical significance of this alteration remains unclear.